The following is an entry in ClinVar:

NM_004813.4(PEX16):c.140dup (p.Glu48fs)

Gene: PEX16 (peroxisomal biogenesis factor 16; minus strand). Cytogenetic location: 11p11.2.
Variant type: Duplication.
Coding change: c.140dup on transcript NM_004813.4 (MANE Select); coding-DNA position 140, one base duplicated (C; older notation c.140dupC).
Protein change: p.Glu48fs; shifts the reading frame from glutamic acid 48.
Molecular consequence: frameshift variant.
Genome position (GRCh38, 1-based): chr11:45,917,466, G duplicated on the plus strand (C on the coding strand, the reverse complement: PEX16 is on the minus strand). VCF-style (leftmost placement, unchanged base first): chr11-45917465-T-TG. GRCh37 (hg19) VCF-style: chr11-45939016-T-TG.
Other names: c.140dup, p.Glu48fs (NM_057174.3); short protein forms E48fs.
Identifiers: ClinVar variation 4736425 (VCV004736425.1).

ClinVar aggregate classification (germline): Pathogenic (1 of 4 stars; one submission).

Conditions:
Peroxisome biogenesis disorder. Identifiers: Orphanet 79189, MedGen C1832200, MONDO:0019234. Disease mechanism: loss of function.

Submission:

Labcorp Genetics (formerly Invitae), Labcorp
Classification: Pathogenic for Peroxisome biogenesis disorder. Last evaluated: 2026-01-28. Review status: criteria provided, single submitter. Criteria: Invitae Variant Classification Sherloc (09022015). Collection method: clinical testing. Allele origin: germline.
Comment: This sequence change creates a premature translational stop signal (p.Glu48Argfs*8) in the PEX16 gene. It is expected to result in an absent or disrupted protein product. Loss-of-function variants in PEX16 are known to be pathogenic (PMID: 9837814, 11890679, 20647552, 20681997). This variant is not present in population databases (gnomAD no frequency). This variant has not been reported in the literature in individuals affected with PEX16-related conditions. For these reasons, this variant has been classified as Pathogenic.

Literature cited by the submitters: PubMed 9837814; PubMed 11890679; PubMed 20647552; PubMed 20681997.